The following is an entry in ClinVar:

NM_004783.4(TAOK2):c.2775T>C (p.Ala925=)

Gene: TAOK2 (TAO kinase 2; plus strand). Cytogenetic location: 16p11.2.
Variant type: single nucleotide variant.
Coding change: c.2775T>C on transcript NM_004783.4; coding-DNA position 2775, T replaced by C.
Protein change: p.Ala925=; no amino-acid change (alanine 925 retained).
Molecular consequence: synonymous variant.
Genome position (GRCh38, 1-based): chr16:29,991,193, T>C. VCF-style: chr16-29991193-T-C. GRCh37 (hg19) VCF-style: chr16-30002514-T-C.
Identifiers: ClinVar variation 3035451 (VCV003035451.2), dbSNP rs146062706, ClinGen allele CA7998818.

ClinVar aggregate classification (germline): Likely benign (0 of 4 stars; one submission).

Conditions:
TAOK2-related disorder. Also called: TAOK2-related condition.

Allele frequency attached by ClinVar (database versions not stated): ExAC 0.00022; TOPMed 0.00081; 1000 Genomes Project 0.00100; gnomAD 0.00065; ESP Exome Variant Server 0.00108; 1000 Genomes Project 30x 0.00125.
gnomAD v4.1: 186 of 1,611,118 alleles (0.012%); highest among the groups gnomAD compares: African/African-American, 0.24%; no homozygotes.

Submission:

PreventionGenetics, part of Exact Sciences
Classification: Likely benign for TAOK2-related condition. Last evaluated: 2019-08-09. Review status: no assertion criteria provided. Collection method: clinical testing. Allele origin: germline.
Comment: This variant is classified as likely benign based on ACMG/AMP sequence variant interpretation guidelines (Richards et al. 2015 PMID: 25741868, with internal and published modifications).